The following is an entry in ClinVar:

ClinVar aggregate classification (germline): Uncertain significance. Review status: criteria provided, multiple submitters, no conflicts (2 of 4 stars). 2 submissions from 2 submitters: Uncertain significance (2). Last evaluated 2025-07-06.

Conditions:
Developmental and epileptic encephalopathy, 14 (DEE14). Also called: Early infantile epileptic encephalopathy 14. Identifiers: Orphanet 293181, MedGen C3554195, MONDO:0013989, OMIM 614959.
Autosomal dominant nocturnal frontal lobe epilepsy 5. Also called: KCNT1-Related Epilepsy; CILIARY DYSKINESIA, PRIMARY, 28, WITH SITUS INVERSUS; Epilepsy, nocturnal frontal lobe, 5; CILIARY DYSKINESIA, PRIMARY, 28, WITHOUT SITUS INVERSUS. Identifiers: Orphanet 98784, MedGen C3554306, MONDO:0014002, OMIM 615005.

Allele frequency attached by ClinVar (database versions not stated): gnomAD exomes below 0.00001 and 0.00001.
gnomAD v4.1: 4 of 1,591,312 alleles (0.00025%); highest among the groups gnomAD compares: Non-Finnish European, 0.00034%; no homozygotes.

Submissions (2):

Labcorp Genetics (formerly Invitae), Labcorp
Classification: Uncertain significance for Autosomal dominant nocturnal frontal lobe epilepsy 5; Developmental and epileptic encephalopathy, 14. Last evaluated: 2025-07-06. Review status: criteria provided, single submitter. Criteria: Invitae Variant Classification Sherloc (09022015). Collection method: clinical testing. Allele origin: germline.
Comment: This sequence change replaces lysine, which is basic and polar, with glutamic acid, which is acidic and polar, at codon 1108 of the KCNT1 protein (p.Lys1108Glu). This variant is present in population databases (no rsID available, gnomAD 0.001%). This variant has not been reported in the literature in individuals affected with KCNT1-related conditions. ClinVar contains an entry for this variant (Variation ID: 1413541). Invitae Evidence Modeling of protein sequence and biophysical properties (such as structural, functional, and spatial information, amino acid conservation, physicochemical variation, residue mobility, and thermodynamic stability) indicates that this missense variant is not expected to disrupt KCNT1 protein function with a negative predictive value of 80%. In summary, the available evidence is currently insufficient to determine the role of this variant in disease. Therefore, it has been classified as a Variant of Uncertain Significance.

Institute for Medical Genetics and Human Genetics, Charité - Universitätsmedizin Berlin
Classification: Uncertain significance for Autosomal dominant nocturnal frontal lobe epilepsy 5. Review status: criteria provided, single submitter. Criteria: ACMG Guidelines, 2015. Collection method: not provided. Allele origin: germline. Inheritance: Autosomal dominant inheritance. Affected: yes.

NM_020822.3(KCNT1):c.3322A>G (p.Lys1108Glu)

Gene: KCNT1 (potassium sodium-activated channel subfamily T member 1; plus strand). Cytogenetic location: 9q34.3.
Variant type: single nucleotide variant.
Coding change: c.3322A>G on transcript NM_020822.3 (MANE Select); coding-DNA position 3322, A replaced by G.
Protein change: p.Lys1108Glu; replaces lysine 1108 with glutamic acid.
Molecular consequence: missense variant.
Genome position (GRCh38, 1-based): chr9:135,786,341, A>G. VCF-style: chr9-135786341-A-G. GRCh37 (hg19) VCF-style: chr9-138678187-A-G.
Other names: c.3187A>G, p.Lys1063Glu (NM_001272003.2); short protein forms K1108E, K1063E.
Identifiers: ClinVar variation 1413541 (VCV001413541.8), dbSNP rs1358295612, ClinGen allele CA375491714.